The following is an entry in ClinVar:

ClinVar aggregate classification (germline): Uncertain significance. Review status: criteria provided, multiple submitters, no conflicts (2 of 4 stars). 2 submissions from 2 submitters: Uncertain significance (2). Last evaluated 2023-02-28.

Allele frequency attached by ClinVar (database versions not stated): gnomAD exomes below 0.00001 and 0.00001; TOPMed 0.00001.
gnomAD v4.1: 1 of 1,460,482 alleles (0.000068%); highest among the groups gnomAD compares: Non-Finnish European, 0.000091%; no homozygotes.

Submissions (2):

GeneDx
Classification: Uncertain significance. Last evaluated: 2023-02-28. Review status: criteria provided, single submitter. Criteria: GeneDx Variant Classification Process June 2021. Collection method: clinical testing. Allele origin: germline. Affected: yes.
Comment: In silico analysis supports that this missense variant has a deleterious effect on protein structure/function; Has not been previously published as pathogenic or benign to our knowledge

Laboratory for Molecular Medicine, Mass General Brigham Personalized Medicine
Classification: Uncertain significance. Last evaluated: 2017-07-25. Review status: criteria provided, single submitter. Criteria: LMM Criteria. Collection method: clinical testing. Allele origin: germline. Observed: 1 variant allele.
Comment: The p.Thr177Asn variant in OTOG has not been previously reported in individuals with hearing loss, but has been identified in 1/11462 of Latino chromosomes by t he Genome Aggregation Database (gnomAD). Alth ough this variant has been seen in the general population, its frequency is not high enough to rule out a pathogenic role. Computational prediction tools and co nservation analyses do not provide strong support for or against an impact to th e protein. In summary, the clinical significance of the p.Thr177Asn variant is u ncertain.

NM_001292063.2(OTOG):c.494C>A (p.Thr165Asn)

Gene: OTOG (otogelin; plus strand). Cytogenetic location: 11p15.1.
Variant type: single nucleotide variant.
Coding change: c.494C>A on transcript NM_001292063.2 (MANE Select); coding-DNA position 494, C replaced by A.
Protein change: p.Thr165Asn; replaces threonine 165 with asparagine.
Molecular consequence: missense variant.
Genome position (GRCh38, 1-based): chr11:17,553,473, C>A. VCF-style: chr11-17553473-C-A. GRCh37 (hg19) VCF-style: chr11-17575020-C-A.
Other names: c.530C>A, p.Thr177Asn (NM_001277269.2); short protein forms T177N, T165N.
Identifiers: ClinVar variation 517465 (VCV000517465.6), dbSNP rs1396310498, ClinGen allele CA379811738.